The following is an entry in ClinVar:

ClinVar aggregate classification (germline): Uncertain significance. Review status: criteria provided, multiple submitters, no conflicts (2 of 4 stars). 2 submissions from 2 submitters: Uncertain significance (2). Last evaluated 2025-06-03.

Conditions:
Medulloblastoma (MDB). Also called: Medulloblastoma, somatic; MEDULLOBLASTOMA PREDISPOSITION SYNDROME. Identifiers: Orphanet 616, MedGen C0025149, MeSH D008527, MONDO:0007959, OMIM 155255, HP:0002885.
Gorlin syndrome. Also called: Nevoid Basal Cell Carcinoma Syndrome; Basal cell nevus syndrome. Identifiers: Orphanet 377, MedGen C0004779, MONDO:0007187.
Hereditary cancer-predisposing syndrome. Also called: Hereditary neoplastic syndrome; Neoplastic Syndromes, Hereditary; Tumor predisposition; Hereditary Cancer Syndrome. Identifiers: Orphanet 140162, MedGen C0027672, MeSH D009386, MONDO:0015356.

Allele frequency attached by ClinVar (database versions not stated): gnomAD exomes below 0.00001.
gnomAD v4.1: 5 of 1,613,472 alleles (0.00031%); highest among the groups gnomAD compares: Admixed American, 0.0017%; no homozygotes.

Submissions (2):

Labcorp Genetics (formerly Invitae), Labcorp
Classification: Uncertain significance for Gorlin syndrome; Medulloblastoma. Last evaluated: 2025-06-03. Review status: criteria provided, single submitter. Criteria: Invitae Variant Classification Sherloc (09022015). Collection method: clinical testing. Allele origin: germline.
Comment: This sequence change replaces arginine, which is basic and polar, with glutamine, which is neutral and polar, at codon 298 of the SUFU protein (p.Arg298Gln). This variant is present in population databases (no rsID available, gnomAD 0.003%). This variant has not been reported in the literature in individuals affected with SUFU-related conditions. ClinVar contains an entry for this variant (Variation ID: 1025916). Invitae Evidence Modeling of protein sequence and biophysical properties (such as structural, functional, and spatial information, amino acid conservation, physicochemical variation, residue mobility, and thermodynamic stability) indicates that this missense variant is not expected to disrupt SUFU protein function with a negative predictive value of 80%. In summary, the available evidence is currently insufficient to determine the role of this variant in disease. Therefore, it has been classified as a Variant of Uncertain Significance.

Ambry Genetics
Classification: Uncertain significance for Hereditary cancer-predisposing syndrome. Last evaluated: 2025-03-05. Review status: criteria provided, single submitter. Criteria: Ambry Variant Classification Scheme 2023. Collection method: clinical testing. Allele origin: germline.
Comment: The p.R298Q variant (also known as c.893G>A), located in coding exon 7 of the SUFU gene, results from a G to A substitution at nucleotide position 893. The arginine at codon 298 is replaced by glutamine, an amino acid with highly similar properties. This amino acid position is highly conserved in available vertebrate species. In addition, the in silico prediction for this alteration is inconclusive. Based on the available evidence, the clinical significance of this variant remains unclear.

NM_016169.4(SUFU):c.893G>A (p.Arg298Gln)

Gene: SUFU (SUFU negative regulator of hedgehog signaling; plus strand). Cytogenetic location: 10q24.32.
Variant type: single nucleotide variant.
Coding change: c.893G>A on transcript NM_016169.4 (MANE Select); coding-DNA position 893, G replaced by A.
Protein change: p.Arg298Gln; replaces arginine 298 with glutamine.
Molecular consequence: missense variant.
Genome position (GRCh38, 1-based): chr10:102,597,276, G>A. VCF-style: chr10-102597276-G-A. GRCh37 (hg19) VCF-style: chr10-104357033-G-A.
Other names: c.893G>A, p.Arg298Gln (NM_001178133.2); c.893G>A (NM_016169.3); short protein forms R298Q.
Identifiers: ClinVar variation 1025916 (VCV001025916.11), dbSNP rs1197687313, ClinGen allele CA377910849.